The following is an entry in ClinVar:

ClinVar aggregate classification (germline): Likely pathogenic (1 of 4 stars; one submission).

Conditions:
Familial cancer of breast. Also called: hereditary breast carcinoma; BREAST CANCER, FAMILIAL; Hereditary breast cancer. Identifiers: Orphanet 227535, MedGen C0346153, MONDO:0016419, OMIM 114480. Disease mechanism: loss of function.
Fanconi anemia complementation group J. Also called: BRIP1-Related Fanconi Anemia. Identifiers: Orphanet 84, MedGen C1836860, MONDO:0012187, OMIM 609054.

Submission:

Labcorp Genetics (formerly Invitae), Labcorp
Classification: Likely pathogenic for Familial cancer of breast; Fanconi anemia complementation group J. Last evaluated: 2024-11-16. Review status: criteria provided, single submitter. Criteria: Invitae Variant Classification Sherloc (09022015). Collection method: clinical testing. Allele origin: germline.
Comment: This sequence change affects an acceptor splice site in intron 13 of the BRIP1 gene. It is expected to disrupt RNA splicing. Variants that disrupt the donor or acceptor splice site typically lead to a loss of protein function (PMID: 16199547), and loss-of-function variants in BRIP1 are known to be pathogenic (PMID: 16116423, 17033622, 21964575). This variant is not present in population databases (gnomAD no frequency). This variant has not been reported in the literature in individuals affected with BRIP1-related conditions. ClinVar contains an entry for this variant (Variation ID: 641847). Studies have shown that disruption of this splice site is associated with inconclusive levels of altered splicing (internal data). In summary, the currently available evidence indicates that the variant is pathogenic, but additional data are needed to prove that conclusively. Therefore, this variant has been classified as Likely Pathogenic.

Literature cited by the submitters: PubMed 16199547; PubMed 16116423; PubMed 17033622; PubMed 21964575.

NM_032043.3(BRIP1):c.1936-1G>C

Gene: BRIP1 (BRCA1 interacting DNA helicase 1; minus strand). Cytogenetic location: 17q23.2.
Variant type: single nucleotide variant.
Coding change: c.1936-1G>C on transcript NM_032043.3 (MANE Select); the canonical splice acceptor site of the intron before coding-DNA position 1936, G replaced by C.
Molecular consequence: splice acceptor variant.
Genome position (GRCh38, 1-based): chr17:61,776,563, C>G on the plus strand (G>C on the coding strand, the complement: BRIP1 is on the minus strand). VCF-style: chr17-61776563-C-G. GRCh37 (hg19) VCF-style: chr17-59853924-C-G.
Identifiers: ClinVar variation 641847 (VCV000641847.10), dbSNP rs1555601204, ClinGen allele CA400478663.